The following is an entry in ClinVar:

NM_003355.3(UCP2):c.410C>T (p.Thr137Met)

Gene: UCP2 (uncoupling protein 2; minus strand). Cytogenetic location: 11q13.4.
Variant type: single nucleotide variant.
Coding change: c.410C>T on transcript NM_003355.3 (MANE Select); coding-DNA position 410, C replaced by T.
Protein change: p.Thr137Met; replaces threonine 137 with methionine.
Molecular consequence: missense variant. On other transcripts: intron variant (1).
Genome position (GRCh38, 1-based): chr11:73,976,945, G>A on the plus strand (C>T on the coding strand, the complement: UCP2 is on the minus strand). VCF-style: chr11-73976945-G-A. GRCh37 (hg19) VCF-style: chr11-73687990-G-A.
Other names: c.410C>T, p.Thr137Met (NM_001381943.1, NM_001381944.1, NM_001381945.1 and 3 more transcripts); c.338-203C>T (NM_001381950.1); short protein forms T137M.
Identifiers: ClinVar variation 2976977 (VCV002976977.3), dbSNP rs777121821, ClinGen allele CA6181144.

ClinVar aggregate classification (germline): Uncertain significance (1 of 4 stars; one submission).

Allele frequency attached by ClinVar (database versions not stated): gnomAD 0.00001; gnomAD exomes 0.00001; TOPMed 0.00001; ExAC 0.00002.

Submission:

Labcorp Genetics (formerly Invitae), Labcorp
Classification: Uncertain significance. Last evaluated: 2023-09-17. Review status: criteria provided, single submitter. Criteria: Invitae Variant Classification Sherloc (09022015). Collection method: clinical testing. Allele origin: germline.
Comment: This sequence change replaces threonine, which is neutral and polar, with methionine, which is neutral and non-polar, at codon 137 of the UCP2 protein (p.Thr137Met). This variant is present in population databases (rs777121821, gnomAD 0.005%). This variant has not been reported in the literature in individuals affected with UCP2-related conditions. An algorithm developed to predict the effect of missense changes on protein structure and function (PolyPhen-2) suggests that this variant is likely to be disruptive. In summary, the available evidence is currently insufficient to determine the role of this variant in disease. Therefore, it has been classified as a Variant of Uncertain Significance.